The following is an entry in ClinVar:

NM_000384.3(APOB):c.11477C>T (p.Thr3826Met)

Gene: APOB (apolipoprotein B; minus strand). Cytogenetic location: 2p24.1.
Variant type: single nucleotide variant.
Coding change: c.11477C>T on transcript NM_000384.3 (MANE Select); coding-DNA position 11477, C replaced by T.
Protein change: p.Thr3826Met; replaces threonine 3826 with methionine.
Molecular consequence: missense variant.
Genome position (GRCh38, 1-based): chr2:21,005,391, G>A on the plus strand (C>T on the coding strand, the complement: APOB is on the minus strand). VCF-style: chr2-21005391-G-A. GRCh37 (hg19) VCF-style: chr2-21228263-G-A.
Other names: short protein forms T3826M.
Identifiers: ClinVar variation 237735 (VCV000237735.75), dbSNP rs61744153, ClinGen allele CA046702.

ClinVar aggregate classification (germline): Conflicting classifications of pathogenicity. Review status: criteria provided, conflicting classifications (1 of 4 stars). 19 submissions from 18 submitters: Uncertain significance (3); Benign (5); Likely benign (9). 2 of the submissions do not count toward it. Last evaluated 2026-02-03.

Conditions:
Cardiovascular phenotype. Identifiers: MedGen CN230736.
APOB-related disorder. Also called: APOB-related condition; APOB-related disorders.
Familial hypobetalipoproteinemia 1. Also called: APOB-Related Familial Hypobetalipoproteinemia; Hypobetalipoproteinemia, normotriglyceridemic; Acanthocytosis with hypobetalipoproteinemia. Identifiers: MedGen C4551990, MONDO:0014252, OMIM 615558.
Hypercholesterolemia, autosomal dominant, type B (FHCL2). Also called: APOB-Related Familial Hypercholesterolemia, Autosomal Dominant; HYPERCHOLESTEROLEMIA, FAMILIAL, DUE TO LIGAND-DEFECTIVE APOLIPOPROTEIN B; Familial Hypercholesterolemia Type B; APOLIPOPROTEIN B-100, FAMILIAL DEFECTIVE; APOLIPOPROTEIN B-100, FAMILIAL LIGAND-DEFECTIVE; Hyperlipoproteinemia Type IIb. Identifiers: MedGen C1704417, MONDO:0007751, OMIM 144010.
Hypercholesterolemia, familial, 1. Also called: LDL RECEPTOR DISORDER; Hyperlipoproteinemia Type IIa; HYPER-LOW-DENSITY-LIPOPROTEINEMIA; HYPERCHOLESTEROLEMIC XANTHOMATOSIS, FAMILIAL; Fredrickson type IIa hyperlipoproteinemia; Hyperlipoproteinemia type 2. Identifiers: Orphanet 391665, MedGen C0745103, MONDO:0007750, OMIM 143890.

Allele frequency attached by ClinVar (database versions not stated): 1000 Genomes Project 30x 0.00047; 1000 Genomes Project 0.00060; TOPMed 0.00160; ExAC 0.00181; ESP Exome Variant Server 0.00192.
gnomAD v4.1: 3,883 of 1,614,074 alleles (0.24%); highest among the groups gnomAD compares: Admixed American, 0.3%; 13 homozygotes.

Submissions (19):

Labcorp Genetics (formerly Invitae), Labcorp
Classification: Benign for Familial hypobetalipoproteinemia 1; Hypercholesterolemia, autosomal dominant, type B. Last evaluated: 2026-02-03. Review status: criteria provided, single submitter. Criteria: Invitae Variant Classification Sherloc (09022015). Collection method: clinical testing. Allele origin: germline.

CeGaT Center for Human Genetics Tuebingen
Classification: Likely benign. Last evaluated: 2025-11-01. Review status: criteria provided, single submitter. Criteria: CeGaT Center For Human Genetics Tuebingen Variant Classification Criteria Version 2. Collection method: clinical testing. Allele origin: germline. Affected: yes. Observed: 7 variant alleles.
Comment: APOB: BP4, BS2

ARUP Laboratories, Molecular Genetics and Genomics, ARUP Laboratories
Classification: Likely benign. Last evaluated: 2025-07-18. Review status: criteria provided, single submitter. Criteria: ARUP Molecular Germline Variant Investigation Process 2024. Collection method: clinical testing. Allele origin: germline.

Molecular Diagnostic Laboratory for Inherited Cardiovascular Disease, Montreal Heart Institute
Classification: Likely benign. Last evaluated: 2025-04-08. Review status: criteria provided, single submitter. Criteria: ACMG Guidelines, 2015. Collection method: clinical testing. Allele origin: germline. Affected: no.
Comment: BS1;BP5;BP6

Blueprint Genetics
Classification: Likely benign. Last evaluated: 2024-11-26. Review status: criteria provided, single submitter. Criteria: ACMG Guidelines, 2015. Collection method: clinical testing. Allele origin: germline.

Women's Health and Genetics/Laboratory Corporation of America, LabCorp
Classification: Benign. Last evaluated: 2024-09-16. Review status: criteria provided, single submitter. Criteria: LabCorp Variant Classification Summary - May 2015. Collection method: clinical testing. Allele origin: germline.
Comment: Variant summary: APOB c.11477C>T (p.Thr3826Met) results in a non-conservative amino acid change in the encoded protein sequence. Three of five in-silico tools predict a damaging effect of the variant on protein function. The variant allele was found at a frequency of 0.0017 in 251358 control chromosomes in the gnomAD database, including 3 homozygotes. The observed variant frequency is approximately 82.55 fold of the estimated maximal expected allele frequency for a pathogenic variant in APOB causing Early Onset Coronary Artery Disease phenotype (2e-05). c.11477C>T has been reported in the literature in general population screening or individuals affected with Hypercholesterolaemia, without strong evidence for causality (example, Jensson_2023, Johansen_2014, Maxwell_2005). These report(s) do not provide unequivocal conclusions about association of the variant with Early Onset Coronary Artery Disease. To our knowledge, no experimental evidence demonstrating an impact on protein function has been reported. The following publications have been ascertained in the context of this evaluation (PMID: 37937776, 24503134, 27153395). ClinVar contains an entry for this variant (Variation ID: 237735). Based on the evidence outlined above, the variant was classified as benign.

Quest Diagnostics Nichols Institute San Juan Capistrano
Classification: Likely benign. Last evaluated: 2023-08-10. Review status: criteria provided, single submitter. Criteria: Quest Diagnostics criteria. Collection method: clinical testing. Allele origin: unknown.

Mayo Clinic Laboratories, Mayo Clinic
Classification: Benign. Last evaluated: 2022-05-26. Review status: criteria provided, single submitter. Criteria: ACMG Guidelines, 2015. Collection method: clinical testing. Allele origin: germline. Observed: 4 variant alleles.
Comment: BS1, BS2, BP4

GeneDx
Classification: Likely benign. Last evaluated: 2020-07-28. Review status: criteria provided, single submitter. Criteria: GeneDx Variant Classification (06012015). Collection method: clinical testing. Allele origin: germline. Affected: yes.
Comment: In silico analysis supports that this missense variant has a deleterious effect on protein structure/function This variant is associated with the following publications: (PMID: 30270084, 26020417, 21502677, 27153395, 24503134)

Ambry Genetics
Classification: Likely benign for Cardiovascular phenotype. Last evaluated: 2018-08-27. Review status: criteria provided, single submitter. Criteria: Ambry Variant Classification Scheme 2023. Collection method: clinical testing. Allele origin: germline.

Illumina Laboratory Services, Illumina
Classification: Likely benign for Hypercholesterolemia, autosomal dominant, type B. Last evaluated: 2018-01-12. Review status: criteria provided, single submitter. Criteria: ICSL Variant Classification Criteria 13 December 2019. Collection method: clinical testing. Allele origin: germline.
Comment: This variant was observed in the ICSL laboratory as part of a predisposition screen in an ostensibly healthy population. It had not been previously curated by ICSL or reported in the Human Gene Mutation Database (HGMD: prior to June 1st, 2018), and was therefore a candidate for classification through an automated scoring system. Utilizing variant allele frequency, disease prevalence and penetrance estimates, and inheritance mode, an automated score was calculated to assess if this variant is too frequent to cause the disease. Based on the score and internal cut-off values, a variant classified as likely benign is not then subjected to further curation. The score for this variant resulted in a classification of likely benign for this disease.

Illumina Laboratory Services, Illumina
Classification: Uncertain significance for Familial hypobetalipoproteinemia 1. Last evaluated: 2018-01-12. Review status: criteria provided, single submitter. Criteria: ICSL Variant Classification Criteria 13 December 2019. Collection method: clinical testing. Allele origin: germline.

Robarts Research Institute, Western University
Classification: Uncertain significance for Hypercholesterolemia, familial, 1. Last evaluated: 2018-01-02. Review status: criteria provided, single submitter. Criteria: ACMG Guidelines, 2015. Collection method: clinical testing. Allele origin: germline. Inheritance: Autosomal dominant inheritance. Affected: yes.

Color Diagnostics, LLC DBA Color Health
Classification: Likely benign for Familial hypercholesterolemia. Last evaluated: 2017-07-10. Review status: criteria provided, single submitter. Criteria: ACMG Guidelines, 2015. Collection method: clinical testing. Allele origin: germline.

Laboratory for Molecular Medicine, Mass General Brigham Personalized Medicine
Classification: Benign. Last evaluated: 2016-03-28. Review status: criteria provided, single submitter. Criteria: LMM Criteria. Collection method: clinical testing. Allele origin: germline.
Comment: Variant identified in a genome or exome case(s) and assessed due to predicted null impact of the variant or pathogenic assertions in the literature or databases. Disclaimer: This variant has not undergone full assessment. The following are preliminary notes: ExAC: 0.7% (84/11556) Latino chromosomes

Cardiovascular Research Group, Instituto Nacional de Saude Doutor Ricardo Jorge
Classification: Uncertain significance for Familial hypercholesterolemia. Last evaluated: 2016-03-01. Review status: criteria provided, single submitter. Criteria: ACMG Guidelines, 2015. Collection method: research. Allele origin: germline. Affected: yes.
Comment: 0/190 non-FH alleles

Genomic Diagnostic Laboratory, Division of Genomic Diagnostics, Children's Hospital of Philadelphia
Classification: Benign for Familial hypercholesterolemia. Last evaluated: 2015-07-29. Review status: criteria provided, single submitter. Criteria: DGD Variant Analysis Guidelines. Collection method: clinical testing. Allele origin: unknown.

PreventionGenetics, part of Exact Sciences
Classification: Likely benign for APOB-related condition. Last evaluated: 2020-10-02. Review status: no assertion criteria provided. Collection method: clinical testing. Allele origin: germline. Not counted in ClinVar's aggregate classification.
Comment: This variant is classified as likely benign based on ACMG/AMP sequence variant interpretation guidelines (Richards et al. 2015 PMID: 25741868, with internal and published modifications).

Laboratory of Genetics and Molecular Cardiology, University of São Paulo
Classification: Likely pathogenic for Familial hypercholesterolemia. Last evaluated: 2016-03-01. Review status: flagged submission. Criteria: ACMG Guidelines, 2015. Collection method: research. Allele origin: germline. Inheritance: Autosomal dominant inheritance. Study: HipercolBrasil. Not counted in ClinVar's aggregate classification.
ClinVar note: Reason: Outlier claim with insufficient supporting evidence

Literature cited by the submitters: PubMed 24503134 (cited by 3 submitters); PubMed 27153395 (cited by 3 submitters); PubMed 37937776 (cited by Women's Health and Genetics/Laboratory Corporation of America, LabCorp); PubMed 26020417 (cited by Quest Diagnostics Nichols Institute San Juan Capistrano and Ambry Genetics); PubMed 19602640 (cited by Quest Diagnostics Nichols Institute San Juan Capistrano); PubMed 34456049 (cited by Quest Diagnostics Nichols Institute San Juan Capistrano); PubMed 30270084 (cited by Quest Diagnostics Nichols Institute San Juan Capistrano and Mayo Clinic Laboratories, Mayo Clinic); PubMed 32719484 (cited by Quest Diagnostics Nichols Institute San Juan Capistrano).